The following is an entry in ClinVar:

ClinVar aggregate classification (germline): Likely benign. Review status: criteria provided, multiple submitters, no conflicts (2 of 4 stars). 6 submissions from 6 submitters: Likely benign (5). 1 of the submissions does not count toward it. Last evaluated 2026-01-23.

Conditions:
NLRP3-related disorder. Also called: NLRP3-related condition; NLRP3-Related Disorders.
Cryopyrin associated periodic syndrome (CAPS). Identifiers: Orphanet 208650, MedGen C2316212, MONDO:0016168.

Allele frequency attached by ClinVar (database versions not stated): gnomAD 0.00083; TOPMed 0.00102; ESP Exome Variant Server 0.00123; 1000 Genomes Project 30x 0.00219; 1000 Genomes Project 0.00220.
gnomAD v4.1: 266 of 1,614,178 alleles (0.016%); highest among the groups gnomAD compares: African/African-American, 0.33%; no homozygotes.

Submissions (6):

Women's Health and Genetics/Laboratory Corporation of America, LabCorp
Classification: Likely benign. Last evaluated: 2026-01-23. Review status: criteria provided, single submitter. Criteria: LabCorp Variant Classification Summary - May 2015. Collection method: clinical testing. Allele origin: germline.

Labcorp Genetics (formerly Invitae), Labcorp
Classification: Likely benign for Cryopyrin associated periodic syndrome. Last evaluated: 2026-01-07. Review status: criteria provided, single submitter. Criteria: Invitae Variant Classification Sherloc (09022015). Collection method: clinical testing. Allele origin: germline.

Mayo Clinic Laboratories, Mayo Clinic
Classification: Likely benign. Last evaluated: 2025-05-29. Review status: criteria provided, single submitter. Criteria: ACMG Guidelines, 2015. Collection method: clinical testing. Allele origin: germline. Observed: 2 variant alleles.
Comment: BS1

Blueprint Genetics
Classification: Likely benign. Last evaluated: 2024-01-23. Review status: criteria provided, single submitter. Criteria: ACMG Guidelines, 2015. Collection method: clinical testing. Allele origin: germline.

GeneDx
Classification: Likely benign. Last evaluated: 2021-09-20. Review status: criteria provided, single submitter. Criteria: GeneDx Variant Classification Process June 2021. Collection method: clinical testing. Allele origin: germline. Affected: yes.
Comment: This variant is associated with the following publications: (PMID: 32529290)

PreventionGenetics, part of Exact Sciences
Classification: Likely benign for NLRP3-related condition. Last evaluated: 2019-09-23. Review status: no assertion criteria provided. Collection method: clinical testing. Allele origin: germline. Not counted in ClinVar's aggregate classification.
Comment: This variant is classified as likely benign based on ACMG/AMP sequence variant interpretation guidelines (Richards et al. 2015 PMID: 25741868, with internal and published modifications).

Literature cited by the submitters: PubMed 28692792 (cited by Mayo Clinic Laboratories, Mayo Clinic); PubMed 30518920 (cited by Mayo Clinic Laboratories, Mayo Clinic).

NM_001243133.2(NLRP3):c.2488C>A (p.Leu830Ile)

Gene: NLRP3 (NLR family pyrin domain containing 3; plus strand). Cytogenetic location: 1q44.
Variant type: single nucleotide variant.
Coding change: c.2488C>A on transcript NM_001243133.2 (MANE Select); coding-DNA position 2488, C replaced by A.
Protein change: p.Leu830Ile; replaces leucine 830 with isoleucine.
Molecular consequence: missense variant.
Genome position (GRCh38, 1-based): chr1:247,434,269, C>A. VCF-style: chr1-247434269-C-A. GRCh37 (hg19) VCF-style: chr1-247597571-C-A.
Other names: p.Leu832Ile; c.2488C>A, p.Leu830Ile (NM_001079821.3, NM_001127461.3); c.2317C>A, p.Leu773Ile (NM_001127462.3, NM_183395.3); c.2494C>A, p.Leu832Ile (NM_004895.5); short protein forms L832I, L830I, L773I.
Identifiers: ClinVar variation 234292 (VCV000234292.18), dbSNP rs114158404, ClinGen allele CA1495246.